The following is an entry in ClinVar:

ClinVar aggregate classification (germline): Uncertain significance (1 of 4 stars; one submission).

Conditions:
Ectodermal dysplasia and immunodeficiency 2. Identifiers: Orphanet 238468, Orphanet 98813, MedGen C2677481, MONDO:0012806, OMIM 612132.

Submission:

Labcorp Genetics (formerly Invitae), Labcorp
Classification: Uncertain significance for Ectodermal dysplasia and immunodeficiency 2. Last evaluated: 2023-09-29. Review status: criteria provided, single submitter. Criteria: Invitae Variant Classification Sherloc (09022015). Collection method: clinical testing. Allele origin: germline.
Comment: This sequence change replaces proline, which is neutral and non-polar, with threonine, which is neutral and polar, at codon 147 of the NFKBIA protein (p.Pro147Thr). This variant is present in population databases (no rsID available, gnomAD 0.003%). This variant has not been reported in the literature in individuals affected with NFKBIA-related conditions. An algorithm developed to predict the effect of missense changes on protein structure and function (PolyPhen-2) suggests that this variant is likely to be disruptive. In summary, the available evidence is currently insufficient to determine the role of this variant in disease. Therefore, it has been classified as a Variant of Uncertain Significance.

NM_020529.3(NFKBIA):c.439C>A (p.Pro147Thr)

Genes: NFKBIA (NFKB inhibitor alpha; minus strand), LOC130055494 (ATAC-STARR-seq lymphoblastoid active region 8276; plus strand). Cytogenetic location: 14q13.2.
Variant type: single nucleotide variant.
Coding change: c.439C>A on transcript NM_020529.3 (MANE Select); coding-DNA position 439, C replaced by A.
Protein change: p.Pro147Thr; replaces proline 147 with threonine.
Molecular consequence: missense variant.
Genome position (GRCh38, 1-based): chr14:35,403,258, G>T on the plus strand (C>A on the coding strand, the complement: NFKBIA is on the minus strand). VCF-style: chr14-35403258-G-T. GRCh37 (hg19) VCF-style: chr14-35872464-G-T.
Other names: short protein forms P147T.
Identifiers: ClinVar variation 2810954 (VCV002810954.3), dbSNP rs1435064505, ClinGen allele CA389453292.